The following is an entry in ClinVar:

ClinVar aggregate classification (germline): Uncertain significance. Review status: criteria provided, multiple submitters, no conflicts (2 of 4 stars). 2 submissions from 2 submitters: Uncertain significance (2). Last evaluated 2024-10-30.

Allele frequency attached by ClinVar (database versions not stated): TOPMed below 0.00001; gnomAD 0.00001; gnomAD exomes 0.00001.
gnomAD v4.1: 18 of 1,613,362 alleles (0.0011%); highest among the groups gnomAD compares: Non-Finnish European, 0.0014%; no homozygotes.

Submissions (2):

Blueprint Genetics
Classification: Uncertain significance. Last evaluated: 2024-10-30. Review status: criteria provided, single submitter. Criteria: ACMG Guidelines, 2015. Collection method: clinical testing. Allele origin: germline.

Labcorp Genetics (formerly Invitae), Labcorp
Classification: Uncertain significance. Last evaluated: 2022-10-13. Review status: criteria provided, single submitter. Criteria: Invitae Variant Classification Sherloc (09022015). Collection method: clinical testing. Allele origin: germline.
Comment: This sequence change replaces arginine, which is basic and polar, with glutamine, which is neutral and polar, at codon 116 of the CDH23 protein (p.Arg116Gln). This variant is not present in population databases (gnomAD no frequency). This variant has not been reported in the literature in individuals affected with CDH23-related conditions. Advanced modeling of protein sequence and biophysical properties (such as structural, functional, and spatial information, amino acid conservation, physicochemical variation, residue mobility, and thermodynamic stability) performed at Invitae indicates that this missense variant is not expected to disrupt CDH23 protein function. In summary, the available evidence is currently insufficient to determine the role of this variant in disease. Therefore, it has been classified as a Variant of Uncertain Significance.

NM_022124.6(CDH23):c.347G>A (p.Arg116Gln)

Genes: CDH23 (cadherin related 23; plus strand), CDH23-AS1 (CDH23 antisense RNA 1; minus strand). Cytogenetic location: 10q22.1.
Variant type: single nucleotide variant.
Coding change: c.347G>A on transcript NM_022124.6 (MANE Select); coding-DNA position 347, G replaced by A.
Protein change: p.Arg116Gln; replaces arginine 116 with glutamine.
Molecular consequence: missense variant.
Genome position (GRCh38, 1-based): chr10:71,511,130, G>A. VCF-style: chr10-71511130-G-A. GRCh37 (hg19) VCF-style: chr10-73270887-G-A.
Other names: c.347G>A, p.Arg116Gln (NM_001171930.2, NM_001171931.2, NM_001171932.2 and 1 more transcripts); short protein forms R116Q.
Identifiers: ClinVar variation 2151374 (VCV002151374.2), dbSNP rs1305672343, ClinGen allele CA377115944.
Genomic context (GRCh38, chr10:71,511,130, plus strand): 5'-AGAGGCCAGAGTCAGGTGGCGGCGCTAATTGCCCGCCTTTCTCTTGCCAGGTGATCACAC[G>A]GAAGGTGAACATCCAGGTTGGGGATGTGAATGACAACGCGCCCACATTTCACAATCAGCC-3'
Protein context (NP_071407.4, residues 106-126): SVSDHQGVIT[Arg116Gln]KVNIQVGDVN